The following is an entry in ClinVar:

NM_005726.6(TSFM):c.1_2del (p.Met1fs)

Gene: TSFM (Ts translation elongation factor, mitochondrial; plus strand). Cytogenetic location: 12q14.1.
Variant type: Deletion.
Coding change: c.1_2del on transcript NM_005726.6 (MANE Select); coding-DNA positions 1 to 2, 2 bases deleted (AT; older notation c.1_2delAT).
Protein change: p.Met1fs; shifts the reading frame from methionine 1.
Molecular consequence: frameshift variant, initiator codon variant.
Genome position (GRCh38, 1-based): chr12:57,782,802-57,782,803, AT deleted. VCF-style (leftmost placement, unchanged base first): chr12-57782801-GAT-G. GRCh37 (hg19) VCF-style: chr12-58176584-GAT-G.
Other names: c.1_2del, p.Met1fs (NM_001172695.2, NM_001172696.2, NM_001172697.2); c.1_2del (NM_001172696.1); short protein forms M1fs.
Identifiers: ClinVar variation 3575052 (VCV003575052.3).
Genomic context (GRCh38, chr12:57,782,801, plus strand): 5'-CGCCGTAGGTTTGTTGCCTCACCAGTGCGCCCGCCGGAGGGTGTTTATCGCGGCTAGAGA[GAT>G]GTCGCTGCTGCGGTCGCTGCGCGTGTTTCTGGTCGCGCGGACCGGGAGCTACCCGGTGAG-3'

ClinVar aggregate classification (germline): Likely pathogenic. Review status: criteria provided, multiple submitters, no conflicts (2 of 4 stars). 2 submissions from 2 submitters: Likely pathogenic (2). Last evaluated 2025-10-29.

Conditions:
Fatal mitochondrial disease due to combined oxidative phosphorylation defect type 3. Also called: Combined oxidative phosphorylation deficiency 3; ENCEPHALOMYOPATHY, RESPIRATORY FAILURE, AND LACTIC ACIDOSIS. Identifiers: Orphanet 168566, MedGen C1864840, MONDO:0012512, OMIM 610505.

Submissions (2):

Natera, Inc.
Classification: Likely pathogenic for Combined oxidative phosphorylation deficiency 3. Last evaluated: 2025-10-29. Review status: criteria provided, single submitter. Criteria: Natera Variant Classification Schema (03/2026). Collection method: clinical testing. Allele origin: germline.
Comment: The c.1_2del variant in TSFM is predicted to result in start loss due to disruption of the initiator methionine. This variant is expected to result in nonsense mediated decay, truncation, or a dysfunctional protein product. This variant is rare in the general population with a frequency below the threshold expected for the associated phenotype(s). Given the available evidence, this variant is classified as Likely Pathogenic.

Fulgent Genetics
Classification: Likely pathogenic for Fatal mitochondrial disease due to combined oxidative phosphorylation defect type 3. Last evaluated: 2024-04-09. Review status: criteria provided, single submitter. Criteria: ACMG Guidelines, 2015. Collection method: clinical testing. Allele origin: germline.